The following is an entry in ClinVar:

NM_001083116.3(PRF1):c.949G>A (p.Gly317Arg)

Gene: PRF1 (perforin 1; minus strand). Cytogenetic location: 10q22.1.
Variant type: single nucleotide variant.
Coding change: c.949G>A on transcript NM_001083116.3 (MANE Select); coding-DNA position 949, G replaced by A.
Protein change: p.Gly317Arg; replaces glycine 317 with arginine.
Molecular consequence: missense variant.
Genome position (GRCh38, 1-based): chr10:70,598,772, C>T on the plus strand (G>A on the coding strand, the complement: PRF1 is on the minus strand). VCF-style: chr10-70598772-C-T. GRCh37 (hg19) VCF-style: chr10-72358528-C-T.
Other names: c.949G>A, p.Gly317Arg (NM_005041.6); short protein forms G317R.
Identifiers: ClinVar variation 2136871 (VCV002136871.7), dbSNP rs766783280, ClinGen allele CA5538870.
Genomic context (GRCh38, chr10:70,598,772, plus strand): 5'-CAGGGCTGCCGGGCAGCGAGTTTACCCAGGCTGAGTACTGCTCGGGCCCGGCCTGGATCC[C>T]GAACAGCAGGTCGTTAATGGAGGTGTGATGGCCGCCAACCACTTCCGAGTGGCGCTCCCG-3'
Protein context (NP_001076585.1, residues 307-327): HHTSINDLLF[Gly317Arg]IQAGPEQYSA

ClinVar aggregate classification (germline): Pathogenic/Likely pathogenic. Review status: criteria provided, multiple submitters, no conflicts (2 of 4 stars). 4 submissions from 4 submitters: Pathogenic (1); Likely pathogenic (3). Last evaluated 2025-12-06.

Conditions:
Familial hemophagocytic lymphohistiocytosis (FHL). Also called: Hereditary hemophagocytic lymphohistiocytosis; Familial erythrophagocytic lymphohistiocytosis; Familial histiocytic reticulosis. Identifiers: Orphanet 158038, Orphanet 540, MedGen C0272199, MONDO:0015541.
Familial hemophagocytic lymphohistiocytosis 2 (FHL2). Also called: PRF1-Related Familial Hemophagocytic Lymphohistiocytosis (PRF1-fHLH). Identifiers: Orphanet 540, MedGen C1863727, MONDO:0011337, OMIM 603553.
PRF1-related disorder. Also called: PRF1-related condition.

Allele frequency attached by ClinVar (database versions not stated): TOPMed below 0.00001; gnomAD 0.00001; ExAC 0.00002.

Submissions (4):

Labcorp Genetics (formerly Invitae), Labcorp
Classification: Pathogenic for Familial hemophagocytic lymphohistiocytosis 2. Last evaluated: 2025-12-06. Review status: criteria provided, single submitter. Criteria: Invitae Variant Classification Sherloc (09022015). Collection method: clinical testing. Allele origin: germline.
Comment: This sequence change replaces glycine, which is neutral and non-polar, with arginine, which is basic and polar, at codon 317 of the PRF1 protein (p.Gly317Arg). This variant is present in population databases (rs766783280, gnomAD 0.002%). This missense change has been observed in individual(s) with hemophagocytic lymphohistiocytosis (PMID: 12716377, 17525286, 32542393). In at least one individual the data is consistent with being in trans (on the opposite chromosome) from a pathogenic variant. This variant is also known as E317R. ClinVar contains an entry for this variant (Variation ID: 2136871). Invitae Evidence Modeling of protein sequence and biophysical properties (such as structural, functional, and spatial information, amino acid conservation, physicochemical variation, residue mobility, and thermodynamic stability) indicates that this missense variant is expected to disrupt PRF1 protein function with a positive predictive value of 95%. Experimental studies have shown that this missense change affects PRF1 function (PMID: 19487666). For these reasons, this variant has been classified as Pathogenic.

Myriad Genetics, Inc.
Classification: Likely pathogenic for Familial hemophagocytic lymphohistiocytosis 2. Last evaluated: 2025-05-22. Review status: criteria provided, single submitter. Criteria: Myriad Autosomal Dominant, Autosomal Recessive and X-Linked Classification Criteria (2023). Collection method: clinical testing. Allele origin: unknown.
Comment: NM_001083116.1(PRF1):c.949G>A(G317R) is a missense variant classified as likely pathogenic in the context of familial hemophagocytic lymphohistiocytosis, PRF1-related. G317R has been observed in cases with relevant disease (PMID: 32542393, 17525286, 12716377). Relevant functional assessments of this variant are available in the literature (PMID: 17873118, 19487666, 15632205). G317R has been observed in referenced population frequency databases. In summary, NM_001083116.1(PRF1):c.949G>A(G317R) is a missense variant that has functional support for pathogenicity and has been observed more frequently in cases with the relevant disease than in healthy populations. Please note: this variant was assessed in the context of healthy population screening.

Women's Health and Genetics/Laboratory Corporation of America, LabCorp
Classification: Likely pathogenic for Familial hemophagocytic lymphohistiocytosis. Last evaluated: 2024-11-06. Review status: criteria provided, single submitter. Criteria: LabCorp Variant Classification Summary - May 2015. Collection method: clinical testing. Allele origin: germline.
Comment: Variant summary: PRF1 c.949G>A (p.Gly317Arg) results in a non-conservative amino acid change located in the membrane-attack complex / perforin domain (IPR020864) of the encoded protein sequence. Four of five in-silico tools predict a damaging effect of the variant on protein function. The variant allele was found at a frequency of 8e-06 in 251430 control chromosomes. c.949G>A has been reported in the literature in homozygous and compound heterozygous individuals affected with Familial Hemophagocytic Lymphohistiocytosis (e.g. Bryceson_2007, Gadoury-Levesque_2020, Ueda_2003). These data indicate that the variant is likely to be associated with disease. At least one publication reports experimental evidence evaluating an impact on protein function, showing a significant loss of PRF cytotoxicity in vitro (e.g. Chia_2009). The following publications have been ascertained in the context of this evaluation (PMID: 17525286, 19487666, 32542393, 12716377). ClinVar contains an entry for this variant (Variation ID: 2136871). Based on the evidence outlined above, the variant was classified as likely pathogenic.

Blueprint Genetics
Classification: Likely pathogenic for PRF1-related disorders. Last evaluated: 2020-12-31. Review status: criteria provided, single submitter. Criteria: ACMG Guidelines, 2015. Collection method: clinical testing. Allele origin: germline. Affected: yes. Observed: 1 variant allele.

Literature cited by the submitters: PubMed 12716377 (cited by 3 submitters); PubMed 17525286 (cited by 3 submitters); PubMed 32542393 (cited by 3 submitters); PubMed 19487666 (cited by 3 submitters); PubMed 15632205 (cited by Myriad Genetics, Inc.); PubMed 17873118 (cited by Myriad Genetics, Inc.).